The following is an entry in ClinVar:

NM_006766.5(KAT6A):c.2416G>C (p.Glu806Gln)

Gene: KAT6A (lysine acetyltransferase 6A; minus strand). Cytogenetic location: 8p11.21.
Variant type: single nucleotide variant.
Coding change: c.2416G>C on transcript NM_006766.5 (MANE Select); coding-DNA position 2416, G replaced by C.
Protein change: p.Glu806Gln; replaces glutamic acid 806 with glutamine.
Molecular consequence: missense variant.
Genome position (GRCh38, 1-based): chr8:41,942,813, C>G on the plus strand (G>C on the coding strand, the complement: KAT6A is on the minus strand). VCF-style: chr8-41942813-C-G. GRCh37 (hg19) VCF-style: chr8-41800331-C-G.
Other names: c.2416G>C, p.Glu806Gln (NM_001305878.2); short protein forms E806Q.
Identifiers: ClinVar variation 2107012 (VCV002107012.4), dbSNP rs2486774886, ClinGen allele CA371072510.

ClinVar aggregate classification (germline): Uncertain significance (1 of 4 stars; one submission).

Submission:

Labcorp Genetics (formerly Invitae), Labcorp
Classification: Uncertain significance. Last evaluated: 2022-10-17. Review status: criteria provided, single submitter. Criteria: Invitae Variant Classification Sherloc (09022015). Collection method: clinical testing. Allele origin: germline.
Comment: In summary, the available evidence is currently insufficient to determine the role of this variant in disease. Therefore, it has been classified as a Variant of Uncertain Significance. Advanced modeling of protein sequence and biophysical properties (such as structural, functional, and spatial information, amino acid conservation, physicochemical variation, residue mobility, and thermodynamic stability) performed at Invitae indicates that this missense variant is not expected to disrupt KAT6A protein function. This variant has not been reported in the literature in individuals affected with KAT6A-related conditions. This variant is not present in population databases (gnomAD no frequency). This sequence change replaces glutamic acid, which is acidic and polar, with glutamine, which is neutral and polar, at codon 806 of the KAT6A protein (p.Glu806Gln).